The following is an entry in ClinVar:

NM_014975.3(MAST1):c.4187C>G (p.Thr1396Arg)

Gene: MAST1 (microtubule associated serine/threonine kinase 1; plus strand). Cytogenetic location: 19p13.13.
Variant type: single nucleotide variant.
Coding change: c.4187C>G on transcript NM_014975.3 (MANE Select); coding-DNA position 4187, C replaced by G.
Protein change: p.Thr1396Arg; replaces threonine 1396 with arginine.
Molecular consequence: missense variant.
Genome position (GRCh38, 1-based): chr19:12,874,344, C>G. VCF-style: chr19-12874344-C-G. GRCh37 (hg19) VCF-style: chr19-12985158-C-G.
Other names: short protein forms T1396R.
Identifiers: ClinVar variation 5002823 (VCV005002823.1).

ClinVar aggregate classification (germline): Uncertain significance (1 of 4 stars; one submission).

Conditions:
Mega-corpus-callosum syndrome with cerebellar hypoplasia and cortical malformations. Identifiers: MedGen C4748927, MONDO:0032648, OMIM 618273.

Submission:

OLLIN Analises Genomicas, OLLIN
Classification: Uncertain significance for Mega-corpus-callosum syndrome with cerebellar hypoplasia and cortical malformations. Last evaluated: 2026-08-06. Review status: criteria provided, single submitter. Criteria: ACMG Guidelines 2015 PMID 25741868. Collection method: clinical testing. Allele origin: germline. Inheritance: Autosomal dominant inheritance.
Comment: This missense variant, located in exon 26 (of 26), is absent from gnomAD and ClinVar and has not been identified in the literature. In silico analysis predicts that this variant has a tolerated effect. This gene is constrained for missense variation. According to the currently available evidence, this variant has been classified as uncertain significance (PM2_P, PP2, BP4).